The following is an entry in ClinVar:

ClinVar aggregate classification (germline): Uncertain significance. Review status: criteria provided, multiple submitters, no conflicts (2 of 4 stars). 2 submissions from 2 submitters: Uncertain significance (2). Last evaluated 2022-05-30.

Conditions:
Severe combined immunodeficiency due to DNA-PKcs deficiency. Also called: IMMUNODEFICIENCY 26 WITH NEUROLOGIC ABNORMALITIES; Immunodeficiency 26 with or without neurologic abnormalities. Identifiers: Orphanet 317425, MedGen C4014833, MONDO:0014423, OMIM 615966.

Allele frequency attached by ClinVar (database versions not stated): ExAC 0.00001.
gnomAD v4.1: 1 of 1,611,782 alleles (0.000062%); highest among the groups gnomAD compares: Non-Finnish European, 0.000085%; no homozygotes.

Submissions (2):

Labcorp Genetics (formerly Invitae), Labcorp
Classification: Uncertain significance for Severe combined immunodeficiency due to DNA-PKcs deficiency. Last evaluated: 2022-05-30. Review status: criteria provided, single submitter. Criteria: Invitae Variant Classification Sherloc (09022015). Collection method: clinical testing. Allele origin: germline.
Comment: In summary, the available evidence is currently insufficient to determine the role of this variant in disease. Therefore, it has been classified as a Variant of Uncertain Significance. Experimental studies and prediction algorithms are not available or were not evaluated, and the functional significance of this variant is currently unknown. This variant has not been reported in the literature in individuals affected with PRKDC-related conditions. This variant is present in population databases (rs750606272, gnomAD no frequency). This sequence change replaces leucine, which is neutral and non-polar, with valine, which is neutral and non-polar, at codon 934 of the PRKDC protein (p.Leu934Val).

Ambry Genetics
Classification: Uncertain significance. Last evaluated: 2021-10-09. Review status: criteria provided, single submitter. Criteria: Ambry Variant Classification Scheme 2023. Collection method: clinical testing. Allele origin: germline.
Comment: The p.L934V variant (also known as c.2800T>G), located in coding exon 25 of the PRKDC gene, results from a T to G substitution at nucleotide position 2800. The leucine at codon 934 is replaced by valine, an amino acid with highly similar properties. This amino acid position is conserved. In addition, this alteration is predicted to be deleterious by in silico analysis. Since supporting evidence is limited at this time, the clinical significance of this alteration remains unclear.

NM_006904.7(PRKDC):c.2800T>G (p.Leu934Val)

Gene: PRKDC (protein kinase, DNA-activated, catalytic subunit; minus strand). Cytogenetic location: 8q11.21.
Variant type: single nucleotide variant.
Coding change: c.2800T>G on transcript NM_006904.7 (MANE Select); coding-DNA position 2800, T replaced by G.
Protein change: p.Leu934Val; replaces leucine 934 with valine.
Molecular consequence: missense variant.
Genome position (GRCh38, 1-based): chr8:47,912,544, A>C on the plus strand (T>G on the coding strand, the complement: PRKDC is on the minus strand). VCF-style: chr8-47912544-A-C. GRCh37 (hg19) VCF-style: chr8-48825104-A-C.
Other names: c.2800T>G, p.Leu934Val (NM_001081640.2); short protein forms L934V.
Identifiers: ClinVar variation 1796223 (VCV001796223.7), dbSNP rs750606272, ClinGen allele CA4741362.